The following is an entry in ClinVar:

NM_017950.4(CCDC40):c.873C>T (p.Phe291=)

Gene: CCDC40 (coiled-coil domain 40 molecular ruler complex subunit; plus strand). Cytogenetic location: 17q25.3.
Variant type: single nucleotide variant.
Coding change: c.873C>T on transcript NM_017950.4 (MANE Select); coding-DNA position 873, C replaced by T.
Protein change: p.Phe291=; no amino-acid change (phenylalanine 291 retained).
Molecular consequence: synonymous variant.
Genome position (GRCh38, 1-based): chr17:80,049,923, C>T. VCF-style: chr17-80049923-C-T. GRCh37 (hg19) VCF-style: chr17-78023722-C-T.
Other names: p.Phe291=; c.873C>T, p.Phe291= (NM_001243342.2, NM_001330508.2).
Identifiers: ClinVar variation 178708 (VCV000178708.29), dbSNP rs2289531, ClinGen allele CA182828.

ClinVar aggregate classification (germline): Benign. Review status: criteria provided, multiple submitters, no conflicts (2 of 4 stars). 10 submissions from 10 submitters: Benign (10). Last evaluated 2026-02-04.

Conditions:
Primary ciliary dyskinesia. Also called: Ciliary dyskinesia. Identifiers: Orphanet 244, MedGen C0008780, MONDO:0016575, HP:0012265.
Primary ciliary dyskinesia 15. Also called: CILIARY DYSKINESIA, PRIMARY, 15, WITH OR WITHOUT SITUS INVERSUS. Identifiers: Orphanet 244, MedGen C3151137, MONDO:0013435, OMIM 613808.

Allele frequency attached by ClinVar (database versions not stated): gnomAD exomes 0.09037 and 0.09908; TOPMed 0.09620; ESP Exome Variant Server 0.09718; gnomAD 0.09951 and 0.10068; ExAC 0.10031; 1000 Genomes Project 30x 0.10821; 1000 Genomes Project 0.11222.

Submissions (10):

Labcorp Genetics (formerly Invitae), Labcorp
Classification: Benign for Primary ciliary dyskinesia. Last evaluated: 2026-02-04. Review status: criteria provided, single submitter. Criteria: Invitae Variant Classification Sherloc (09022015). Collection method: clinical testing. Allele origin: germline.

Blueprint Genetics
Classification: Benign. Last evaluated: 2024-11-27. Review status: criteria provided, single submitter. Criteria: ACMG Guidelines, 2015. Collection method: clinical testing. Allele origin: germline.

Mayo Clinic Laboratories, Mayo Clinic
Classification: Benign. Last evaluated: 2022-04-26. Review status: criteria provided, single submitter. Criteria: ACMG Guidelines, 2015. Collection method: clinical testing. Allele origin: germline. Observed: 38 variant alleles.

Genome-Nilou Lab
Classification: Benign for Primary ciliary dyskinesia 15. Last evaluated: 2021-07-14. Review status: criteria provided, single submitter. Criteria: ACMG Guidelines, 2015. Collection method: clinical testing. Allele origin: germline. Affected: no.

GeneDx
Classification: Benign. Last evaluated: 2018-07-05. Review status: criteria provided, single submitter. Criteria: GeneDx Variant Classification Process June 2021. Collection method: clinical testing. Allele origin: germline. Affected: yes.

Illumina Laboratory Services, Illumina
Classification: Benign for Primary ciliary dyskinesia 15. Last evaluated: 2018-01-13. Review status: criteria provided, single submitter. Criteria: ICSL Variant Classification Criteria 13 December 2019. Collection method: clinical testing. Allele origin: germline.
Comment: This variant was observed in the ICSL laboratory as part of a predisposition screen in an ostensibly healthy population. It had not been previously curated by ICSL or reported in the Human Gene Mutation Database (HGMD: prior to June 1st, 2018), and was therefore a candidate for classification through an automated scoring system. Utilizing variant allele frequency, disease prevalence and penetrance estimates, and inheritance mode, an automated score was calculated to assess if this variant is too frequent to cause the disease. Based on the score and internal cut-off values, a variant classified as benign is not then subjected to further curation. The score for this variant resulted in a classification of benign for this disease.

Ambry Genetics
Classification: Benign for Primary ciliary dyskinesia. Last evaluated: 2016-07-08. Review status: criteria provided, single submitter. Criteria: Ambry Variant Classification Scheme 2023. Collection method: clinical testing. Allele origin: germline.

Laboratory for Molecular Medicine, Mass General Brigham Personalized Medicine
Classification: Benign. Last evaluated: 2013-02-21. Review status: criteria provided, single submitter. Criteria: LMM Criteria. Collection method: clinical testing. Allele origin: germline. Observed: 15 variant alleles.
Comment: Phe291Phe in exon 6 of CCDC40: This variant is not expected to have clinical sig nificance because it does not alter an amino acid residue and is not located wit hin the splice consensus sequence. It has been identified in 10.5% (417/3954) of African American chromosomes from a broad population by the NHLBI Exome Sequenc ing Project (dbSNP rs2289531).

Breakthrough Genomics
Classification: Benign. Review status: criteria provided, single submitter. Criteria: ACMG Guidelines, 2015. Collection method: not provided. Allele origin: germline. Inheritance: Autosomal recessive inheritance. Affected: yes.

PreventionGenetics, part of Exact Sciences
Classification: Benign. Review status: criteria provided, single submitter. Criteria: ACMG Guidelines, 2015. Collection method: clinical testing. Allele origin: germline.